The following is an entry in ClinVar:

NM_013432.5(TONSL):c.3240C>G (p.Asn1080Lys)

Gene: TONSL (tonsoku like, DNA repair protein; minus strand). Cytogenetic location: 8q24.3.
Variant type: single nucleotide variant.
Coding change: c.3240C>G on transcript NM_013432.5 (MANE Select); coding-DNA position 3240, C replaced by G.
Protein change: p.Asn1080Lys; replaces asparagine 1080 with lysine.
Molecular consequence: missense variant.
Genome position (GRCh38, 1-based): chr8:144,434,125, G>C on the plus strand (C>G on the coding strand, the complement: TONSL is on the minus strand). VCF-style: chr8-144434125-G-C. GRCh37 (hg19) VCF-style: chr8-145659508-G-C.
Other names: short protein forms N1080K.
Identifiers: ClinVar variation 1482533 (VCV001482533.8), dbSNP rs782514679, ClinGen allele CA4942557.
Genomic context (GRCh38, chr8:144,434,125, plus strand): 5'-CAGGCTGGGCATGGTGCCCAGGGCAGCCACCAGCTCAGCCACACACTTGTCCCCCAGCCG[G>C]TTCCCTGCCAGGCGCAGCTCCCGGAGTGCTGTGTGCAGCTTGAGGGCCCGCAGCAGGGGT-3'
Protein context (NP_038460.4, residues 1070-1090): TALRELRLAG[Asn1080Lys]RLGDKCVAEL

ClinVar aggregate classification (germline): Uncertain significance (1 of 4 stars; one submission).

Allele frequency attached by ClinVar (database versions not stated): ExAC 0.00001.
gnomAD v4.1: 1 of 1,612,066 alleles (0.000062%); highest among the groups gnomAD compares: Non-Finnish European, 0.000085%; no homozygotes.

Submission:

Labcorp Genetics (formerly Invitae), Labcorp
Classification: Uncertain significance. Last evaluated: 2022-01-11. Review status: criteria provided, single submitter. Criteria: Invitae Variant Classification Sherloc (09022015). Collection method: clinical testing. Allele origin: germline.
Comment: This variant has not been reported in the literature in individuals affected with TONSL-related conditions. This variant is present in population databases (rs782514679, gnomAD 0.0009%). This sequence change replaces asparagine, which is neutral and polar, with lysine, which is basic and polar, at codon 1080 of the TONSL protein (p.Asn1080Lys). Algorithms developed to predict the effect of missense changes on protein structure and function are either unavailable or do not agree on the potential impact of this missense change (SIFT: "Tolerated"; PolyPhen-2: "Probably Damaging"; Align-GVGD: "Class C0"). In summary, the available evidence is currently insufficient to determine the role of this variant in disease. Therefore, it has been classified as a Variant of Uncertain Significance.